The following is an entry in ClinVar:

ClinVar aggregate classification (germline): Uncertain significance. Review status: criteria provided, multiple submitters, no conflicts (2 of 4 stars). 2 submissions from 2 submitters: Uncertain significance (2). Last evaluated 2025-05-27.

Conditions:
Hereditary cancer-predisposing syndrome. Also called: Tumor predisposition; Neoplastic Syndromes, Hereditary; Hereditary neoplastic syndrome; Hereditary Cancer Syndrome. Identifiers: Orphanet 140162, MedGen C0027672, MeSH D009386, MONDO:0015356.

Submissions (2):

Labcorp Genetics (formerly Invitae), Labcorp
Classification: Uncertain significance. Last evaluated: 2025-05-27. Review status: criteria provided, single submitter. Criteria: Invitae Variant Classification Sherloc (09022015). Collection method: clinical testing. Allele origin: germline.
Comment: This sequence change replaces alanine, which is neutral and non-polar, with glutamic acid, which is acidic and polar, at codon 313 of the MSH3 protein (p.Ala313Glu). This variant is not present in population databases (gnomAD no frequency). This variant has not been reported in the literature in individuals affected with MSH3-related conditions. ClinVar contains an entry for this variant (Variation ID: 1020684). An algorithm developed to predict the effect of missense changes on protein structure and function (PolyPhen-2) suggests that this variant is likely to be disruptive. In summary, the available evidence is currently insufficient to determine the role of this variant in disease. Therefore, it has been classified as a Variant of Uncertain Significance.

Ambry Genetics
Classification: Uncertain significance for Hereditary cancer-predisposing syndrome. Last evaluated: 2024-05-25. Review status: criteria provided, single submitter. Criteria: Ambry Variant Classification Scheme 2023. Collection method: clinical testing. Allele origin: germline.
Comment: The p.A313E variant (also known as c.938C>A), located in coding exon 6 of the MSH3 gene, results from a C to A substitution at nucleotide position 938. The alanine at codon 313 is replaced by glutamic acid, an amino acid with dissimilar properties. This amino acid position is conserved. In addition, the in silico prediction for this alteration is inconclusive. Since supporting evidence is limited at this time, the clinical significance of this alteration remains unclear.

NM_002439.5(MSH3):c.938C>A (p.Ala313Glu)

Genes: MSH3 (mutS homolog 3; plus strand), LOC126807437 (MED14-independent group 3 enhancer GRCh37_chr5:79968379-79969578; plus strand). Cytogenetic location: 5q14.1.
Variant type: single nucleotide variant.
Coding change: c.938C>A on transcript NM_002439.5 (MANE Select); coding-DNA position 938, C replaced by A.
Protein change: p.Ala313Glu; replaces alanine 313 with glutamic acid.
Molecular consequence: missense variant.
Genome position (GRCh38, 1-based): chr5:80,672,769, C>A. VCF-style: chr5-80672769-C-A. GRCh37 (hg19) VCF-style: chr5-79968588-C-A.
Other names: short protein forms A313E.
Identifiers: ClinVar variation 1020684 (VCV001020684.12), dbSNP rs1749751972, ClinGen allele CA360267375.